The following is an entry in ClinVar:

ClinVar aggregate classification (germline): Likely benign (1 of 4 stars; one submission).

gnomAD v4.1: 50 of 1,591,830 alleles (0.0031%); highest among the groups gnomAD compares: East Asian, 0.1%; no homozygotes.

Submission:

CeGaT Center for Human Genetics Tuebingen
Classification: Likely benign. Last evaluated: 2026-04-01. Review status: criteria provided, single submitter. Criteria: CeGaT Center For Human Genetics Tuebingen Variant Classification Criteria Version 2. Collection method: clinical testing. Allele origin: germline. Affected: yes. Observed: 1 variant allele.
Comment: ANK3: BP4, BP7

NM_020987.5(ANK3):c.4365T>C (p.Asp1455=)

Gene: ANK3 (ankyrin 3; minus strand). Cytogenetic location: 10q21.2.
Variant type: single nucleotide variant.
Coding change: c.4365T>C on transcript NM_020987.5 (MANE Select); coding-DNA position 4365, T replaced by C.
Protein change: p.Asp1455=; no amino-acid change (aspartic acid 1455 retained).
Molecular consequence: synonymous variant.
Genome position (GRCh38, 1-based): chr10:60,080,604, A>G on the plus strand (T>C on the coding strand, the complement: ANK3 is on the minus strand). VCF-style: chr10-60080604-A-G. GRCh37 (hg19) VCF-style: chr10-61840362-A-G.
Other names: c.1740T>C, p.Asp580= (NM_001149.4); c.4320T>C, p.Asp1440= (NM_001204403.2); c.4341T>C, p.Asp1447= (NM_001204404.2); c.4338T>C, p.Asp1446= (NM_001320874.2).
Identifiers: ClinVar variation 4873561 (VCV004873561.2).